The following is an entry in ClinVar:

NM_001040108.2(MLH3):c.1897C>T (p.Pro633Ser)

Gene: MLH3 (mutL homolog 3; minus strand). Cytogenetic location: 14q24.3.
Variant type: single nucleotide variant.
Coding change: c.1897C>T on transcript NM_001040108.2 (MANE Select); coding-DNA position 1897, C replaced by T.
Protein change: p.Pro633Ser; replaces proline 633 with serine.
Molecular consequence: missense variant.
Genome position (GRCh38, 1-based): chr14:75,047,759, G>A on the plus strand (C>T on the coding strand, the complement: MLH3 is on the minus strand). VCF-style: chr14-75047759-G-A. GRCh37 (hg19) VCF-style: chr14-75514462-G-A.
Other names: c.1897C>T, p.Pro633Ser (NM_014381.3); short protein forms P633S.
Identifiers: ClinVar variation 1782182 (VCV001782182.2), dbSNP rs1892354576, ClinGen allele CA390443864.

ClinVar aggregate classification (germline): Uncertain significance (1 of 4 stars; one submission).

Submission:

Ambry Genetics
Classification: Uncertain significance. Last evaluated: 2021-11-07. Review status: criteria provided, single submitter. Criteria: Ambry Variant Classification Scheme 2023. Collection method: clinical testing. Allele origin: germline.
Comment: The p.P633S variant (also known as c.1897C>T), located in coding exon 1 of the MLH3 gene, results from a C to T substitution at nucleotide position 1897. The proline at codon 633 is replaced by serine, an amino acid with similar properties. This amino acid position is conserved. In addition, this alteration is predicted to be tolerated by in silico analysis. Since supporting evidence is limited at this time, the clinical significance of this alteration remains unclear.